The following is an entry in ClinVar:

ClinVar aggregate classification (germline): Likely pathogenic. Review status: criteria provided, multiple submitters, no conflicts (2 of 4 stars). 2 submissions from 2 submitters: Likely pathogenic (2). Last evaluated 2026-02-24.

Conditions:
Neurofibromatosis, type 1 (NF1). Also called: VON RECKLINGHAUSEN DISEASE; NEUROFIBROMATOSIS, TYPE I, SOMATIC; Peripheral type neurofibromatosis; Neurofibromatosis, type I. Identifiers: Orphanet 636, MedGen C0027831, MONDO:0018975, OMIM 162200. Disease mechanism: loss of function.
NF1-related disorder. Also called: NF1-related condition. Identifiers: MedGen CN379171.

Submissions (2):

Myriad Genetics, Inc.
Classification: Likely pathogenic for Neurofibromatosis, type 1. Last evaluated: 2026-02-24. Review status: criteria provided, single submitter. Criteria: Myriad Autosomal Dominant, Autosomal Recessive and X-Linked Classification Criteria (2023). Collection method: clinical testing. Allele origin: unknown.
Comment: This variant is considered likely pathogenic. This variant occurs within a consensus splice junction and is predicted to result in abnormal mRNA splicing of either an out-of-frame exon or an in-frame exon necessary for protein stability and/or normal function.

Greenwood Genetic Center Diagnostic Laboratories, Greenwood Genetic Center
Classification: Likely pathogenic for NF1-related disorder. Last evaluated: 2025-05-29. Review status: criteria provided, single submitter. Criteria: ACMG Guidelines, 2015. Collection method: clinical testing. Allele origin: germline. Affected: yes.
Comment: PS4_Supporting, PM2, PP3_Strong

NM_001042492.3(NF1):c.3314+1G>C

Gene: NF1 (neurofibromin 1; plus strand). Cytogenetic location: 17q11.2.
Variant type: single nucleotide variant.
Coding change: c.3314+1G>C on transcript NM_001042492.3 (MANE Select); the canonical splice donor site of the intron after coding-DNA position 3314, G replaced by C.
Molecular consequence: splice donor variant.
Genome position (GRCh38, 1-based): chr17:31,232,190, G>C. VCF-style: chr17-31232190-G-C. GRCh37 (hg19) VCF-style: chr17-29559208-G-C.
Other names: c.3314+1G>C (NM_000267.4).
Identifiers: ClinVar variation 4538269 (VCV004538269.2).
Genomic context (GRCh38, chr17:31,232,190, plus strand): 5'-GCAGCCTGAAGAAGGAGATGGTGTGGAATTGATGGAAGCCAAATCACAGTTATTTCTTAA[G>C]TAAATTTCAGTCACCAAAAAACATAAAGCAAAAAGCAAATAAAGCCCCCCACCACACAAA-3'